The following is an entry in ClinVar:

ClinVar aggregate classification (germline): Uncertain significance (1 of 4 stars; one submission).

Allele frequency attached by ClinVar (database versions not stated): TOPMed below 0.00001; gnomAD 0.00001.
gnomAD v4.1: 7 of 1,614,032 alleles (0.00043%); highest among the groups gnomAD compares: African/African-American, 0.0013%; no homozygotes.

Submission:

Labcorp Genetics (formerly Invitae), Labcorp
Classification: Uncertain significance. Last evaluated: 2022-04-06. Review status: criteria provided, single submitter. Criteria: Invitae Variant Classification Sherloc (09022015). Collection method: clinical testing. Allele origin: germline.
Comment: This variant is not present in population databases (gnomAD no frequency). This sequence change replaces leucine, which is neutral and non-polar, with phenylalanine, which is neutral and non-polar, at codon 540 of the CLCN6 protein (p.Leu540Phe). This variant has not been reported in the literature in individuals affected with CLCN6-related conditions. Algorithms developed to predict the effect of missense changes on protein structure and function are either unavailable or do not agree on the potential impact of this missense change (SIFT: "Deleterious"; PolyPhen-2: "Probably Damaging"; Align-GVGD: "Class C0"). In summary, the available evidence is currently insufficient to determine the role of this variant in disease. Therefore, it has been classified as a Variant of Uncertain Significance.

NM_001286.5(CLCN6):c.1618C>T (p.Leu540Phe)

Gene: CLCN6 (chloride voltage-gated channel 6; plus strand). Cytogenetic location: 1p36.22.
Variant type: single nucleotide variant.
Coding change: c.1618C>T on transcript NM_001286.5 (MANE Select); coding-DNA position 1618, C replaced by T.
Protein change: p.Leu540Phe; replaces leucine 540 with phenylalanine.
Molecular consequence: missense variant. On other transcripts: non-coding transcript variant (1).
Genome position (GRCh38, 1-based): chr1:11,834,327, C>T. VCF-style: chr1-11834327-C-T. GRCh37 (hg19) VCF-style: chr1-11894384-C-T.
Other names: c.1552C>T, p.Leu518Phe (NM_001256959.2); short protein forms L518F, L540F.
Identifiers: ClinVar variation 1971280 (VCV001971280.5), dbSNP rs1221788114, ClinGen allele CA338435868.